The following is an entry in ClinVar:

NM_018137.3(PRMT6):c.-8C>T

Gene: PRMT6 (protein arginine methyltransferase 6; plus strand). Cytogenetic location: 1p13.3.
Variant type: single nucleotide variant.
Coding change: c.-8C>T on transcript NM_018137.3 (MANE Select); 8 bases upstream of the start codon, C replaced by T.
Molecular consequence: 5 prime UTR variant.
Genome position (GRCh38, 1-based): chr1:107,056,708, C>T. VCF-style: chr1-107056708-C-T. GRCh37 (hg19) VCF-style: chr1-107599330-C-T.
Identifiers: ClinVar variation 3035402 (VCV003035402.2), dbSNP rs535686053, ClinGen allele CA977194.

ClinVar aggregate classification (germline): Likely benign (0 of 4 stars; one submission).

Conditions:
PRMT6-related disorder. Also called: PRMT6-related condition.

Allele frequency attached by ClinVar (database versions not stated): 1000 Genomes Project 0.00020; 1000 Genomes Project 30x 0.00031; gnomAD 0.00121; ExAC 0.00277.

Submission:

PreventionGenetics, part of Exact Sciences
Classification: Likely benign for PRMT6-related condition. Last evaluated: 2020-02-18. Review status: no assertion criteria provided. Collection method: clinical testing. Allele origin: germline.
Comment: This variant is classified as likely benign based on ACMG/AMP sequence variant interpretation guidelines (Richards et al. 2015 PMID: 25741868, with internal and published modifications).